The following is an entry in ClinVar:

ClinVar aggregate classification (germline): Uncertain significance (1 of 4 stars; one submission).

Allele frequency attached by ClinVar (database versions not stated): TOPMed below 0.00001; gnomAD 0.00001; gnomAD exomes 0.00001; ExAC 0.00002.
gnomAD v4.1: 6 of 1,611,190 alleles (0.00037%); highest among the groups gnomAD compares: Non-Finnish European, 0.00051%; no homozygotes.

Submission:

Labcorp Genetics (formerly Invitae), Labcorp
Classification: Uncertain significance. Last evaluated: 2020-08-21. Review status: criteria provided, single submitter. Criteria: Invitae Variant Classification Sherloc (09022015). Collection method: clinical testing. Allele origin: germline.
Comment: Algorithms developed to predict the effect of missense changes on protein structure and function are either unavailable or do not agree on the potential impact of this missense change (SIFT: "Deleterious"; PolyPhen-2: "Probably Damaging"; Align-GVGD: "Class C0"). This sequence change replaces isoleucine with valine at codon 371 of the ADAM9 protein (p.Ile371Val). The isoleucine residue is highly conserved and there is a small physicochemical difference between isoleucine and valine. This variant is present in population databases (rs778269216, ExAC 0.003%). This variant has not been reported in the literature in individuals with ADAM9-related conditions. In summary, the available evidence is currently insufficient to determine the role of this variant in disease. Therefore, it has been classified as a Variant of Uncertain Significance.

NM_003816.3(ADAM9):c.1111A>G (p.Ile371Val)

Gene: ADAM9 (ADAM metallopeptidase domain 9; plus strand). Cytogenetic location: 8p11.22.
Variant type: single nucleotide variant.
Coding change: c.1111A>G on transcript NM_003816.3 (MANE Select); coding-DNA position 1111, A replaced by G.
Protein change: p.Ile371Val; replaces isoleucine 371 with valine.
Molecular consequence: missense variant. On other transcripts: non-coding transcript variant (3).
Genome position (GRCh38, 1-based): chr8:39,026,791, A>G. VCF-style: chr8-39026791-A-G. GRCh37 (hg19) VCF-style: chr8-38884310-A-G.
Other names: short protein forms I371V.
Identifiers: ClinVar variation 1058341 (VCV001058341.5), dbSNP rs778269216, ClinGen allele CA4721528.